The following is an entry in ClinVar:

ClinVar aggregate classification (germline): Uncertain significance. Review status: criteria provided, multiple submitters, no conflicts (2 of 4 stars). 2 submissions from 2 submitters: Uncertain significance (2). Last evaluated 2025-06-02.

Conditions:
PCNT-related disorder. Also called: PCNT-related condition.

Allele frequency attached by ClinVar (database versions not stated): TOPMed 0.00003.
gnomAD v4.1: 71 of 1,613,868 alleles (0.0044%); highest among the groups gnomAD compares: Non-Finnish European, 0.0058%; no homozygotes.

Submissions (2):

PreventionGenetics, part of Exact Sciences
Classification: Uncertain significance for PCNT-related condition. Last evaluated: 2025-06-02. Review status: criteria provided, single submitter. Criteria: ACMG Guidelines, 2015. Collection method: clinical testing. Allele origin: germline.
Comment: The PCNT c.1481G>C variant is predicted to result in the amino acid substitution p.Arg494Pro. To our knowledge, this variant has not been reported in the literature. This variant is reported in 0.0080% of alleles in individuals of African descent in gnomAD. At this time, the clinical significance of this variant is uncertain due to the absence of conclusive functional and genetic evidence.

Labcorp Genetics (formerly Invitae), Labcorp
Classification: Uncertain significance. Last evaluated: 2022-07-29. Review status: criteria provided, single submitter. Criteria: Invitae Variant Classification Sherloc (09022015). Collection method: clinical testing. Allele origin: germline.
Comment: This sequence change replaces arginine, which is basic and polar, with proline, which is neutral and non-polar, at codon 494 of the PCNT protein (p.Arg494Pro). This variant is present in population databases (rs201360311, gnomAD 0.008%). This variant has not been reported in the literature in individuals affected with PCNT-related conditions. Algorithms developed to predict the effect of missense changes on protein structure and function output the following: SIFT: "Deleterious"; PolyPhen-2: "Possibly Damaging"; Align-GVGD: "Class C15". The proline amino acid residue is found in multiple mammalian species, which suggests that this missense change does not adversely affect protein function. In summary, the available evidence is currently insufficient to determine the role of this variant in disease. Therefore, it has been classified as a Variant of Uncertain Significance.

NM_006031.6(PCNT):c.1481G>C (p.Arg494Pro)

Gene: PCNT (pericentrin; plus strand). Cytogenetic location: 21q22.3.
Variant type: single nucleotide variant.
Coding change: c.1481G>C on transcript NM_006031.6 (MANE Select); coding-DNA position 1481, G replaced by C.
Protein change: p.Arg494Pro; replaces arginine 494 with proline.
Molecular consequence: missense variant.
Genome position (GRCh38, 1-based): chr21:46,353,128, G>C. VCF-style: chr21-46353128-G-C. GRCh37 (hg19) VCF-style: chr21-47773042-G-C.
Other names: c.1481G>C (NM_006031.5); c.1127G>C, p.Arg376Pro (NM_001315529.2); short protein forms R376P, R494P.
Identifiers: ClinVar variation 2194024 (VCV002194024.3), dbSNP rs201360311, ClinGen allele CA10078650.
Genomic context (GRCh38, chr21:46,353,128, plus strand): 5'-ATTTTAAGACGATTGCCTGACTCCGTTATGTTGCAGAGCTACATGAGCAACTCCTGGCGC[G>C]CACCTCTCGTGTGGAAGATTTAGAACAGCTGAAGCAGCGAGAAAAAACCCAGCATGAGTC-3'
Protein context (NP_006022.3, residues 484-504): LSELHEQLLA[Arg494Pro]TSRVEDLEQL